The following is an entry in ClinVar:

ClinVar aggregate classification (germline): Conflicting classifications of pathogenicity. Review status: criteria provided, conflicting classifications (1 of 4 stars). 3 submissions from 3 submitters: Pathogenic (1); Uncertain significance (2). Last evaluated 2025-07-16.

Conditions:
Multiple sulfatase deficiency (MSD). Also called: Mucosulfatidosis; Multiple Sulfatase Deficiency Disease; Sulfatidosis, Juvenile, Austin Type. Identifiers: Orphanet 585, MedGen C0268263, MONDO:0010088, OMIM 272200.

Allele frequency attached by ClinVar (database versions not stated): TOPMed below 0.00001; ExAC 0.00001.
gnomAD v4.1: 27 of 1,614,062 alleles (0.0017%); highest among the groups gnomAD compares: Non-Finnish European, 0.0021%; no homozygotes.

Submissions (3):

GeneDx
Classification: Pathogenic. Last evaluated: 2025-07-16. Review status: criteria provided, single submitter. Criteria: GeneDx Variant Classification Process June 2021. Collection method: clinical testing. Allele origin: germline. Affected: yes.
Comment: Not observed at significant frequency in large population cohorts (gnomAD); In silico analysis supports that this missense variant has a deleterious effect on protein structure/function; This variant is associated with the following publications: (PMID: 38863195)

Women's Health and Genetics/Laboratory Corporation of America, LabCorp
Classification: Uncertain significance. Last evaluated: 2025-04-30. Review status: criteria provided, single submitter. Criteria: LabCorp Variant Classification Summary - May 2015. Collection method: clinical testing. Allele origin: germline.
Comment: Variant summary: SUMF1 c.866A>G (p.Tyr289Cys) results in a non-conservative amino acid change in the encoded protein sequence. Five of five in-silico tools predict a damaging effect of the variant on protein function. The variant allele was found at a frequency of 4e-06 in 251154 control chromosomes. The available data on variant occurrences in the general population are insufficient to allow any conclusion about variant significance. To our knowledge, no occurrence of c.866A>G in individuals affected with Multiple sulfatase deficiency and no experimental evidence demonstrating its impact on protein function have been reported. ClinVar contains an entry for this variant (Variation ID: 1306425). Based on the evidence outlined above, the variant was classified as uncertain significance.

Labcorp Genetics (formerly Invitae), Labcorp
Classification: Uncertain significance for Multiple sulfatase deficiency. Last evaluated: 2025-03-31. Review status: criteria provided, single submitter. Criteria: Invitae Variant Classification Sherloc (09022015). Collection method: clinical testing. Allele origin: germline.
Comment: This sequence change replaces tyrosine, which is neutral and polar, with cysteine, which is neutral and slightly polar, at codon 289 of the SUMF1 protein (p.Tyr289Cys). This variant is present in population databases (rs772860745, gnomAD 0.0009%). This variant has not been reported in the literature in individuals affected with SUMF1-related conditions. ClinVar contains an entry for this variant (Variation ID: 1306425). Invitae Evidence Modeling of protein sequence and biophysical properties (such as structural, functional, and spatial information, amino acid conservation, physicochemical variation, residue mobility, and thermodynamic stability) indicates that this missense variant is expected to disrupt SUMF1 protein function with a positive predictive value of 95%. In summary, the available evidence is currently insufficient to determine the role of this variant in disease. Therefore, it has been classified as a Variant of Uncertain Significance.

NM_182760.4(SUMF1):c.866A>G (p.Tyr289Cys)

Gene: SUMF1 (sulfatase modifying factor 1; minus strand). Cytogenetic location: 3p26.1.
Variant type: single nucleotide variant.
Coding change: c.866A>G on transcript NM_182760.4 (MANE Select); coding-DNA position 866, A replaced by G.
Protein change: p.Tyr289Cys; replaces tyrosine 289 with cysteine.
Molecular consequence: missense variant.
Genome position (GRCh38, 1-based): chr3:4,410,953, T>C on the plus strand (A>G on the coding strand, the complement: SUMF1 is on the minus strand). VCF-style: chr3-4410953-T-C. GRCh37 (hg19) VCF-style: chr3-4452637-T-C.
Other names: c.791A>G, p.Tyr264Cys (NM_001164674.2); c.866A>G, p.Tyr289Cys (NM_001164675.2); short protein forms Y264C, Y289C.
Identifiers: ClinVar variation 1306425 (VCV001306425.10), dbSNP rs772860745, ClinGen allele CA2230415.